The following is an entry in ClinVar:

NM_014251.3(SLC25A13):c.1740G>A (p.Lys580=)

Gene: SLC25A13 (solute carrier family 25 member 13; minus strand). Cytogenetic location: 7q21.3.
Variant type: single nucleotide variant.
Coding change: c.1740G>A on transcript NM_014251.3 (MANE Select); coding-DNA position 1740, G replaced by A.
Protein change: p.Lys580=; no amino-acid change (lysine 580 retained).
Molecular consequence: synonymous variant. On other transcripts: non-coding transcript variant (1).
Genome position (GRCh38, 1-based): chr7:96,121,849, C>T on the plus strand (G>A on the coding strand, the complement: SLC25A13 is on the minus strand). VCF-style: chr7-96121849-C-T. GRCh37 (hg19) VCF-style: chr7-95751161-C-T.
Other names: c.1743G>A, p.Lys581= (NM_001160210.2); c.1740G>A (NM_014251.2).
Identifiers: ClinVar variation 1609420 (VCV001609420.10), dbSNP rs1791522939, ClinGen allele CA456632258.

ClinVar aggregate classification (germline): Likely benign. Review status: criteria provided, single submitter (1 of 4 stars). 2 submissions from 2 submitters: Likely benign (1). 1 of the submissions does not count toward it. Last evaluated 2021-12-15.

Conditions:
SLC25A13-related disorder. Also called: SLC25A13-related condition.
Citrin deficiency. Identifiers: Orphanet 247582, MedGen C1997910, MONDO:0016602.

Submissions (2):

Labcorp Genetics (formerly Invitae), Labcorp
Classification: Likely benign for Citrin deficiency. Last evaluated: 2021-12-15. Review status: criteria provided, single submitter. Criteria: Invitae Variant Classification Sherloc (09022015). Collection method: clinical testing. Allele origin: germline.

PreventionGenetics, part of Exact Sciences
Classification: Likely benign for SLC25A13-related condition. Last evaluated: 2021-08-31. Review status: no assertion criteria provided. Collection method: clinical testing. Allele origin: germline. Not counted in ClinVar's aggregate classification.
Comment: This variant is classified as likely benign based on ACMG/AMP sequence variant interpretation guidelines (Richards et al. 2015 PMID: 25741868, with internal and published modifications).